The following is an entry in ClinVar:

NM_001018113.3(FANCB):c.1658C>T (p.Thr553Met)

Gene: FANCB (FA complementation group B; minus strand). Cytogenetic location: Xp22.2.
Variant type: single nucleotide variant.
Coding change: c.1658C>T on transcript NM_001018113.3 (MANE Select); coding-DNA position 1658, C replaced by T.
Protein change: p.Thr553Met; replaces threonine 553 with methionine.
Molecular consequence: missense variant.
Genome position (GRCh38, 1-based): chrX:14,845,125, G>A on the plus strand (C>T on the coding strand, the complement: FANCB is on the minus strand). VCF-style: chrX-14845125-G-A. GRCh37 (hg19) VCF-style: chrX-14863247-G-A.
Other names: c.1658C>T (NM_001018113.2); c.1658C>T, p.Thr553Met (NM_001324162.2, NM_152633.4); short protein forms T553M.
Identifiers: ClinVar variation 281375 (VCV000281375.32), dbSNP rs146157131, ClinGen allele CA10353018.

ClinVar aggregate classification (germline): Conflicting classifications of pathogenicity. Review status: criteria provided, conflicting classifications (1 of 4 stars). 8 submissions from 8 submitters: Uncertain significance (2); Benign (1); Likely benign (4). 1 of the submissions does not count toward it. Last evaluated 2026-01-28.

Conditions:
FANCB-related disorder. Also called: FANCB-related condition.
Inborn genetic diseases. Identifiers: MedGen C0950123, MeSH D030342.
Fanconi anemia (FA). Also called: Fanconi's anemia. Identifiers: Orphanet 84, MedGen C0015625, MeSH D005199, MONDO:0019391.

Allele frequency attached by ClinVar (database versions not stated): gnomAD exomes 0.00004 and 0.00011; ExAC 0.00015; gnomAD 0.00036 and 0.00039; 1000 Genomes Project 30x 0.00042; 1000 Genomes Project 0.00053; TOPMed 0.00063; ESP Exome Variant Server 0.00066.
gnomAD v4.1: 94 of 1,209,317 alleles (0.0078%); highest among the groups gnomAD compares: African/African-American, 0.13%; no homozygotes.

Submissions (8):

Labcorp Genetics (formerly Invitae), Labcorp
Classification: Benign for Fanconi anemia. Last evaluated: 2026-01-28. Review status: criteria provided, single submitter. Criteria: Invitae Variant Classification Sherloc (09022015). Collection method: clinical testing. Allele origin: germline.

CeGaT Center for Human Genetics Tuebingen
Classification: Likely benign. Last evaluated: 2025-10-01. Review status: criteria provided, single submitter. Criteria: CeGaT Center For Human Genetics Tuebingen Variant Classification Criteria Version 2. Collection method: clinical testing. Allele origin: germline. Affected: yes. Observed: 2 variant alleles.
Comment: FANCB: BP4, BS2

Blueprint Genetics
Classification: Likely benign. Last evaluated: 2024-06-05. Review status: criteria provided, single submitter. Criteria: ACMG Guidelines, 2015. Collection method: clinical testing. Allele origin: germline.

Ambry Genetics
Classification: Uncertain significance for Inborn genetic diseases. Last evaluated: 2021-12-07. Review status: criteria provided, single submitter. Criteria: Ambry Variant Classification Scheme 2023. Collection method: clinical testing. Allele origin: germline.

Sema4
Classification: Likely benign for Fanconi anemia. Last evaluated: 2021-10-13. Review status: criteria provided, single submitter. Criteria: Sema4 Curation Guidelines. Collection method: curation. Allele origin: germline.

Center for Pediatric Genomic Medicine, Children's Mercy Hospital and Clinics
Classification: Likely benign. Last evaluated: 2017-05-04. Review status: criteria provided, single submitter. Criteria: ACMG Guidelines, 2015. Collection method: clinical testing. Allele origin: germline.

Eurofins Ntd Llc (ga)
Classification: Uncertain significance. Last evaluated: 2015-06-24. Review status: criteria provided, single submitter. Criteria: EGL Classification Definitions 2015. Collection method: clinical testing. Allele origin: germline. Observed: 1 variant allele, 1 hemizygote.

PreventionGenetics, part of Exact Sciences
Classification: Likely benign for FANCB-related condition. Last evaluated: 2019-04-24. Review status: no assertion criteria provided. Collection method: clinical testing. Allele origin: germline. Not counted in ClinVar's aggregate classification.
Comment: This variant is classified as likely benign based on ACMG/AMP sequence variant interpretation guidelines (Richards et al. 2015 PMID: 25741868, with internal and published modifications).